The following is an entry in ClinVar:

ClinVar aggregate classification (germline): Benign/Likely benign. Review status: criteria provided, multiple submitters, no conflicts (2 of 4 stars). 4 submissions from 4 submitters: Benign (2); Likely benign (2). Last evaluated 2026-01-18.

Conditions:
Collagen 6-related myopathy. Identifiers: MedGen CN117976, MONDO:0100225.
Bethlem myopathy 1A. Also called: MYOPATHY, BENIGN CONGENITAL, WITH CONTRACTURES; Bethlem myopathy 1; Bethlem Muscular Dystrophy. Identifiers: Orphanet 610, MedGen CN029274, MONDO:0024530, OMIM 158810.

Allele frequency attached by ClinVar (database versions not stated): gnomAD exomes 0.00016 and 0.00040; ExAC 0.00080; gnomAD 0.00168 and 0.00174; ESP Exome Variant Server 0.00169; TOPMed 0.00193; 1000 Genomes Project 0.00300; 1000 Genomes Project 30x 0.00328.
gnomAD v4.1: 508 of 1,592,160 alleles (0.032%); highest among the groups gnomAD compares: African/African-American, 0.57%; 2 homozygotes.

Submissions (4):

Labcorp Genetics (formerly Invitae), Labcorp
Classification: Benign for Bethlem myopathy 1A. Last evaluated: 2026-01-18. Review status: criteria provided, single submitter. Criteria: Invitae Variant Classification Sherloc (09022015). Collection method: clinical testing. Allele origin: germline.

Blueprint Genetics
Classification: Likely benign. Last evaluated: 2024-06-27. Review status: criteria provided, single submitter. Criteria: ACMG Guidelines, 2015. Collection method: clinical testing. Allele origin: germline.

Illumina Laboratory Services, Illumina
Classification: Benign for Collagen VI-related myopathy. Last evaluated: 2018-01-13. Review status: criteria provided, single submitter. Criteria: ICSL Variant Classification Criteria 13 December 2019. Collection method: clinical testing. Allele origin: germline.
Comment: This variant was observed in the ICSL laboratory as part of a predisposition screen in an ostensibly healthy population. It had not been previously curated by ICSL or reported in the Human Gene Mutation Database (HGMD: prior to June 1st, 2018), and was therefore a candidate for classification through an automated scoring system. Utilizing variant allele frequency, disease prevalence and penetrance estimates, and inheritance mode, an automated score was calculated to assess if this variant is too frequent to cause the disease. Based on the score and internal cut-off values, a variant classified as benign is not then subjected to further curation. The score for this variant resulted in a classification of benign for this disease.

GeneDx
Classification: Likely benign. Last evaluated: 2017-02-13. Review status: criteria provided, single submitter. Criteria: GeneDx Variant Classification (06012015). Collection method: clinical testing. Allele origin: germline. Affected: yes.
Comment: This variant is considered likely benign or benign based on one or more of the following criteria: it is a conservative change, it occurs at a poorly conserved position in the protein, it is predicted to be benign by multiple in silico algorithms, and/or has population frequency not consistent with disease.

NM_001848.3(COL6A1):c.1336-15C>T

Gene: COL6A1 (collagen type VI alpha 1 chain; plus strand). Cytogenetic location: 21q22.3.
Variant type: single nucleotide variant.
Coding change: c.1336-15C>T on transcript NM_001848.3 (MANE Select); 15 bases into the intron before coding-DNA position 1336, C replaced by T.
Molecular consequence: intron variant.
Genome position (GRCh38, 1-based): chr21:45,994,152, C>T. VCF-style: chr21-45994152-C-T. GRCh37 (hg19) VCF-style: chr21-47414066-C-T.
Identifiers: ClinVar variation 340317 (VCV000340317.17), dbSNP rs201003020, ClinGen allele CA10070253.